The following is an entry in ClinVar:

ClinVar aggregate classification (germline): Likely benign. Review status: criteria provided, multiple submitters, no conflicts (2 of 4 stars). 2 submissions from 2 submitters: Likely benign (2). Last evaluated 2024-02-20.

Conditions:
Nemaline myopathy 2 (NEM2). Also called: Nemaline myopathy 2, autosomal recessive. Identifiers: MedGen C1850569, MONDO:0009725, OMIM 256030.

Allele frequency attached by ClinVar (database versions not stated): gnomAD 0.00001; TOPMed 0.00002; gnomAD exomes 0.00003 and 0.00004; ExAC 0.00005; ESP Exome Variant Server 0.00008.
gnomAD v4.1: 45 of 1,613,492 alleles (0.0028%); highest among the groups gnomAD compares: South Asian, 0.015%; no homozygotes.

Submissions (2):

Labcorp Genetics (formerly Invitae), Labcorp
Classification: Likely benign for Nemaline myopathy 2. Last evaluated: 2024-02-20. Review status: criteria provided, single submitter. Criteria: Invitae Variant Classification Sherloc (09022015). Collection method: clinical testing. Allele origin: germline.

CeGaT Center for Human Genetics Tuebingen
Classification: Likely benign. Last evaluated: 2022-06-01. Review status: criteria provided, single submitter. Criteria: CeGaT Center For Human Genetics Tuebingen Variant Classification Criteria Version 2. Collection method: clinical testing. Allele origin: germline. Affected: yes. Observed: 1 variant allele.
Comment: NEB: BP4, BP7

NM_001164508.2(NEB):c.3519C>T (p.Asp1173=)

Gene: NEB (nebulin; minus strand). Cytogenetic location: 2q23.3.
Variant type: single nucleotide variant.
Coding change: c.3519C>T on transcript NM_001164508.2 (MANE Select); coding-DNA position 3519, C replaced by T.
Protein change: p.Asp1173=; no amino-acid change (aspartic acid 1173 retained).
Molecular consequence: synonymous variant.
Genome position (GRCh38, 1-based): chr2:151,677,924, G>A on the plus strand (C>T on the coding strand, the complement: NEB is on the minus strand). VCF-style: chr2-151677924-G-A. GRCh37 (hg19) VCF-style: chr2-152534438-G-A.
Other names: c.3519C>T, p.Asp1173= (NM_001164507.2, NM_001271208.2, NM_004543.5).
Identifiers: ClinVar variation 534038 (VCV000534038.35), dbSNP rs376512820, ClinGen allele CA1910894.
Genomic context (GRCh38, chr2:151,677,924, plus strand): 5'-AATGACACTTACATCACTCTGTATCTGCATCATGTTCTTAGACAGCTCCAGGTCCATGGC[G>A]TCAGGCAAGTAGGTGTAATGATGGAGAGAATGCTTATAGTTGACATTGCTGACCACATCC-3'
Protein context (NP_001157980.2, residues 1163-1183): HSLHHYTYLP[Asp1173=]AMDLELSKNM